The following is an entry in ClinVar:

ClinVar aggregate classification (germline): Pathogenic (1 of 4 stars; one submission).

Submission:

GeneDx
Classification: Pathogenic. Last evaluated: 2017-12-12. Review status: criteria provided, single submitter. Criteria: GeneDx Variant Classification (06012015). Collection method: clinical testing. Allele origin: germline. Affected: yes.
Comment: The Q688X variant in the CLTC gene has not been reported previously as a pathogenic variant nor as a benign variant, to our knowledge. This variant is predicted to cause loss of normal protein function either through protein truncation or nonsense-mediated mRNA decay. The Q688X variant is not observed in large population cohorts (Lek et al., 2016).

NM_004859.4(CLTC):c.2050C>T (p.Gln684Ter)

Gene: CLTC (clathrin heavy chain; plus strand). Cytogenetic location: 17q23.1.
Variant type: single nucleotide variant.
Coding change: c.2050C>T on transcript NM_004859.4 (MANE Select); coding-DNA position 2050, C replaced by T.
Protein change: p.Gln684Ter; replaces glutamine 684 with a stop codon.
Molecular consequence: nonsense.
Genome position (GRCh38, 1-based): chr17:59,666,899, C>T. VCF-style: chr17-59666899-C-T. GRCh37 (hg19) VCF-style: chr17-57744260-C-T.
Other names: c.2062C>T, p.Gln688Ter (NM_001288653.2); short protein forms Q688*, Q684*.
Identifiers: ClinVar variation 489191 (VCV000489191.2), dbSNP rs1555605497, ClinGen allele CA400429029.